The following is an entry in ClinVar:

ClinVar aggregate classification (germline): Uncertain significance. Review status: criteria provided, multiple submitters, no conflicts (2 of 4 stars). 2 submissions from 2 submitters: Uncertain significance (2). Last evaluated 2025-08-20.

Conditions:
Hereditary cancer-predisposing syndrome. Also called: Hereditary Cancer Syndrome; Hereditary neoplastic syndrome; Neoplastic Syndromes, Hereditary; Tumor predisposition. Identifiers: Orphanet 140162, MedGen C0027672, MeSH D009386, MONDO:0015356.

gnomAD v4.1: 1 of 1,613,812 alleles (0.000062%); highest among the groups gnomAD compares: Non-Finnish European, 0.000085%; no homozygotes.

Submissions (2):

Ambry Genetics
Classification: Uncertain significance for Hereditary cancer-predisposing syndrome. Last evaluated: 2025-08-20. Review status: criteria provided, single submitter. Criteria: Ambry Variant Classification Scheme 2023. Collection method: clinical testing. Allele origin: germline.
Comment: The p.Q2121K variant (also known as c.6361C>A), located in coding exon 46 of the POLE gene, results from a C to A substitution at nucleotide position 6361. The glutamine at codon 2121 is replaced by lysine, an amino acid with similar properties. This amino acid position is highly conserved in available vertebrate species. In addition, the in silico prediction for this alteration is inconclusive. Based on the available evidence, the clinical significance of this variant remains unclear.

Labcorp Genetics (formerly Invitae), Labcorp
Classification: Uncertain significance. Last evaluated: 2025-01-06. Review status: criteria provided, single submitter. Criteria: Invitae Variant Classification Sherloc (09022015). Collection method: clinical testing. Allele origin: germline.
Comment: This sequence change replaces glutamine, which is neutral and polar, with lysine, which is basic and polar, at codon 2121 of the POLE protein (p.Gln2121Lys). This variant is not present in population databases (gnomAD no frequency). This variant has not been reported in the literature in individuals affected with POLE-related conditions. ClinVar contains an entry for this variant (Variation ID: 1064134). Invitae Evidence Modeling of protein sequence and biophysical properties (such as structural, functional, and spatial information, amino acid conservation, physicochemical variation, residue mobility, and thermodynamic stability) indicates that this missense variant is not expected to disrupt POLE protein function with a negative predictive value of 80%. In summary, the available evidence is currently insufficient to determine the role of this variant in disease. Therefore, it has been classified as a Variant of Uncertain Significance.

NM_006231.4(POLE):c.6361C>A (p.Gln2121Lys)

Gene: POLE (DNA polymerase epsilon, catalytic subunit; minus strand). Cytogenetic location: 12q24.33.
Variant type: single nucleotide variant.
Coding change: c.6361C>A on transcript NM_006231.4 (MANE Select); coding-DNA position 6361, C replaced by A.
Protein change: p.Gln2121Lys; replaces glutamine 2121 with lysine.
Molecular consequence: missense variant.
Genome position (GRCh38, 1-based): chr12:132,626,287, G>T on the plus strand (C>A on the coding strand, the complement: POLE is on the minus strand). VCF-style: chr12-132626287-G-T. GRCh37 (hg19) VCF-style: chr12-133202873-G-T.
Other names: short protein forms Q2121K.
Identifiers: ClinVar variation 1064134 (VCV001064134.12), dbSNP rs1555301259, ClinGen allele CA387367823.
Genomic context (GRCh38, chr12:132,626,287, plus strand): 5'-CCTCGGAGAACTCGCCGACATCCACCAGGCGAAGCAGGTCTCGGTTCAGCTTATTCACCT[G>T]GTTTGTGATGTTGGTGTCCAGGGACAGCACCTGCAGAGACCACAGCCCACATCGGGAAGG-3'
Protein context (NP_006222.2, residues 2111-2131): VLSLDTNITN[Gln2121Lys]VNKLNRDLLR